The following is an entry in ClinVar:

ClinVar aggregate classification (germline): Uncertain significance. Review status: criteria provided, multiple submitters, no conflicts (2 of 4 stars). 2 submissions from 2 submitters: Uncertain significance (2). Last evaluated 2022-11-25.

Conditions:
Congenital myasthenic syndrome 9. Also called: Myasthenic syndrome, congenital, 9, associated with acetylcholine receptor deficiency. Identifiers: Orphanet 590, MedGen C4225368, MONDO:0014587, OMIM 616325.
Fetal akinesia deformation sequence 1 (FADS1). Also called: Fetal akinesia sequence; Pena-Shokeir syndrome type I. Identifiers: Orphanet 994, MedGen C1276035, MONDO:0100101, OMIM 208150, HP:0001989.

Allele frequency attached by ClinVar (database versions not stated): gnomAD exomes 0.00001 and 0.00002; TOPMed 0.00001.
gnomAD v4.1: 4 of 1,613,804 alleles (0.00025%); highest among the groups gnomAD compares: Admixed American, 0.0067%; no homozygotes.

Submissions (2):

GeneDx
Classification: Uncertain significance. Last evaluated: 2022-11-25. Review status: criteria provided, single submitter. Criteria: GeneDx Variant Classification Process June 2021. Collection method: clinical testing. Allele origin: germline. Affected: yes.
Comment: Not observed at significant frequency in large population cohorts (gnomAD); In silico analysis supports that this missense variant does not alter protein structure/function; Has not been previously published as pathogenic or benign to our knowledge; This variant is associated with the following publications: (PMID: 25537362)

Labcorp Genetics (formerly Invitae), Labcorp
Classification: Uncertain significance for Congenital myasthenic syndrome 9; Fetal akinesia deformation sequence 1. Last evaluated: 2022-04-04. Review status: criteria provided, single submitter. Criteria: Invitae Variant Classification Sherloc (09022015). Collection method: clinical testing. Allele origin: germline.
Comment: This sequence change replaces glycine, which is neutral and non-polar, with arginine, which is basic and polar, at codon 693 of the MUSK protein (p.Gly693Arg). This variant is present in population databases (no rsID available, gnomAD 0.01%). This variant has not been reported in the literature in individuals affected with MUSK-related conditions. ClinVar contains an entry for this variant (Variation ID: 1062971). Advanced modeling of protein sequence and biophysical properties (such as structural, functional, and spatial information, amino acid conservation, physicochemical variation, residue mobility, and thermodynamic stability) performed at Invitae indicates that this missense variant is not expected to disrupt MUSK protein function. In summary, the available evidence is currently insufficient to determine the role of this variant in disease. Therefore, it has been classified as a Variant of Uncertain Significance.

NM_005592.4(MUSK):c.2077G>C (p.Gly693Arg)

Gene: MUSK (muscle associated receptor tyrosine kinase; plus strand). Cytogenetic location: 9q31.3.
Variant type: single nucleotide variant.
Coding change: c.2077G>C on transcript NM_005592.4 (MANE Select); coding-DNA position 2077, G replaced by C.
Protein change: p.Gly693Arg; replaces glycine 693 with arginine.
Molecular consequence: missense variant.
Genome position (GRCh38, 1-based): chr9:110,800,455, G>C. VCF-style: chr9-110800455-G-C. GRCh37 (hg19) VCF-style: chr9-113562735-G-C.
Other names: c.1819G>C, p.Gly607Arg (NM_001166280.2); c.1789G>C, p.Gly597Arg (NM_001166281.2); c.817G>C, p.Gly273Arg (NM_001369398.1); c.2077G>C (NM_005592.3); short protein forms G273R, G597R, G607R, G693R.
Identifiers: ClinVar variation 1062971 (VCV001062971.6), dbSNP rs1216581384, ClinGen allele CA374477985.